The following is an entry in ClinVar:

ClinVar aggregate classification (germline): Uncertain significance (1 of 4 stars; one submission).

Submission:

GeneDx
Classification: Uncertain significance. Last evaluated: 2023-07-03. Review status: criteria provided, single submitter. Criteria: GeneDx Variant Classification Process June 2021. Collection method: clinical testing. Allele origin: germline. Affected: yes.
Comment: Not observed at significant frequency in large population cohorts (gnomAD); In silico analysis supports that this missense variant has a deleterious effect on protein structure/function; Has not been previously published as pathogenic or benign to our knowledge

NM_015057.5(MYCBP2):c.7205T>C (p.Leu2402Pro)

Gene: MYCBP2 (MYC binding protein 2; minus strand). Cytogenetic location: 13q22.3.
Variant type: single nucleotide variant.
Coding change: c.7205T>C on transcript NM_015057.5 (MANE Select); coding-DNA position 7205, T replaced by C.
Protein change: p.Leu2402Pro; replaces leucine 2402 with proline.
Molecular consequence: missense variant.
Genome position (GRCh38, 1-based): chr13:77,144,543, A>G on the plus strand (T>C on the coding strand, the complement: MYCBP2 is on the minus strand). VCF-style: chr13-77144543-A-G. GRCh37 (hg19) VCF-style: chr13-77718678-A-G.
Other names: short protein forms L2402P.
Identifiers: ClinVar variation 3360785 (VCV003360785.1).